The following is an entry in ClinVar:

ClinVar aggregate classification (germline): Pathogenic (1 of 4 stars; one submission).

Conditions:
Atypical hemolytic-uremic syndrome with MCP/CD46 anomaly. Also called: HEMOLYTIC UREMIC SYNDROME, ATYPICAL, SUSCEPTIBILITY TO, 2; AHUS, SUSCEPTIBILITY TO, 2. Identifiers: Orphanet 2134, MedGen C2752040, MONDO:0013040, OMIM 612922.

Submission:

MVZ Medizinische Genetik Mainz
Classification: Pathogenic for Atypical hemolytic-uremic syndrome with MCP/CD46 anomaly. Last evaluated: 2023-05-09. Review status: criteria provided, single submitter. Criteria: UK Practice Guidelines For Variant Classification V4 01 2020. Collection method: clinical testing. Allele origin: germline. Inheritance: Autosomal dominant inheritance. Affected: yes. Observed: 1 variant allele.
Comment: ACMG Criteria: PVS1,PM2_SUP,PP4

NM_172351.3(CD46):c.735del (p.Lys245fs)

Gene: CD46 (CD46 molecule; plus strand). Cytogenetic location: 1q32.2.
Variant type: Deletion.
Coding change: c.735del on transcript NM_172351.3 (MANE Select); coding-DNA position 735, one base deleted (A; older notation c.735delA).
Protein change: p.Lys245fs; shifts the reading frame from lysine 245.
Molecular consequence: frameshift variant.
Genome position (GRCh38, 1-based): chr1:207,767,074, A deleted; the last of 7 consecutive A bases (chr1:207,767,068-207,767,074); deleting any one gives the same sequence. VCF-style (leftmost placement, unchanged base first): chr1-207767067-GA-G. GRCh37 (hg19) VCF-style: chr1-207940412-GA-G.
Other names: c.735del, p.Lys245fs (NM_002389.4, NM_153826.4, NM_172350.3 and 8 more transcripts); short protein forms K245fs.
Identifiers: ClinVar variation 3236246 (VCV003236246.1), dbSNP rs1343140692, ClinGen allele CA528615519.